The following is an entry in ClinVar:

NM_024596.5(MCPH1):c.1092T>G (p.His364Gln)

Gene: MCPH1 (microcephalin 1; plus strand). Cytogenetic location: 8p23.1.
Variant type: single nucleotide variant.
Coding change: c.1092T>G on transcript NM_024596.5 (MANE Select); coding-DNA position 1092, T replaced by G.
Protein change: p.His364Gln; replaces histidine 364 with glutamine.
Molecular consequence: missense variant. On other transcripts: non-coding transcript variant (1).
Genome position (GRCh38, 1-based): chr8:6,444,814, T>G. VCF-style: chr8-6444814-T-G. GRCh37 (hg19) VCF-style: chr8-6302335-T-G.
Other names: c.1092T>G, p.His364Gln (NM_001172574.2, NM_001322042.2, NM_001363979.1 and 3 more transcripts); c.948T>G, p.His316Gln (NM_001172575.2); c.1086T>G, p.His362Gln (NM_001322043.2); c.990T>G, p.His330Gln (NM_001322045.2); short protein forms H316Q, H330Q, H362Q, H364Q.
Identifiers: ClinVar variation 1996702 (VCV001996702.4), dbSNP rs1041939771, ClinGen allele CA370220763.

ClinVar aggregate classification (germline): Uncertain significance (1 of 4 stars; one submission).

gnomAD v4.1: 2 of 1,614,088 alleles (0.00012%); highest among the groups gnomAD compares: Non-Finnish European, 0.00017%; no homozygotes.

Submission:

Labcorp Genetics (formerly Invitae), Labcorp
Classification: Uncertain significance. Last evaluated: 2023-05-22. Review status: criteria provided, single submitter. Criteria: Invitae Variant Classification Sherloc (09022015). Collection method: clinical testing. Allele origin: germline.
Comment: This variant is not present in population databases (gnomAD no frequency). In summary, the available evidence is currently insufficient to determine the role of this variant in disease. Therefore, it has been classified as a Variant of Uncertain Significance. Advanced modeling of protein sequence and biophysical properties (such as structural, functional, and spatial information, amino acid conservation, physicochemical variation, residue mobility, and thermodynamic stability) performed at Invitae indicates that this missense variant is not expected to disrupt MCPH1 protein function. ClinVar contains an entry for this variant (Variation ID: 1996702). This variant has not been reported in the literature in individuals affected with MCPH1-related conditions. This sequence change replaces histidine, which is basic and polar, with glutamine, which is neutral and polar, at codon 364 of the MCPH1 protein (p.His364Gln).